The following is an entry in ClinVar:

NM_001354604.2(MITF):c.1229C>T (p.Thr410Met)

Gene: MITF (melanocyte inducing transcription factor; plus strand). Cytogenetic location: 3p13.
Variant type: single nucleotide variant.
Coding change: c.1229C>T on transcript NM_001354604.2 (MANE Select); coding-DNA position 1229, C replaced by T.
Protein change: p.Thr410Met; replaces threonine 410 with methionine.
Molecular consequence: missense variant.
Genome position (GRCh38, 1-based): chr3:69,964,896, C>T. VCF-style: chr3-69964896-C-T. GRCh37 (hg19) VCF-style: chr3-70014047-C-T.
Other names: c.908C>T, p.Thr303Met (NM_000248.4); c.1055C>T, p.Thr352Met (NM_001184967.2, NM_001354608.2); c.1226C>T, p.Thr409Met (NM_001354605.2); c.1208C>T, p.Thr403Met (NM_001354606.2, NM_006722.3); c.1160C>T, p.Thr387Met (NM_001354607.2); c.890C>T, p.Thr297Met (NM_198158.3); c.1211C>T, p.Thr404Met (NM_198159.3); c.1163C>T, p.Thr388Met (NM_198177.3); and 1 more; short protein forms T241M, T297M, T303M, T352M, T387M, T388M, T403M, T404M.
Identifiers: ClinVar variation 1204757 (VCV001204757.21), dbSNP rs369552358, ClinGen allele CA2490628.

ClinVar aggregate classification (germline): Uncertain significance. Review status: criteria provided, multiple submitters, no conflicts (2 of 4 stars). 6 submissions from 6 submitters: Uncertain significance (6). Last evaluated 2026-04-10.

Conditions:
MITF-related disorder. Also called: MITF-related condition.
Melanoma, cutaneous malignant, susceptibility to, 8. Also called: MELANOMA AND RENAL CELL CARCINOMA, SUSCEPTIBILITY TO; Cutaneous malignant melanoma 8. Identifiers: Orphanet 293822, MedGen C3152204, MONDO:0013759, OMIM 614456.
Waardenburg syndrome type 2A (WS2A). Also called: WAARDENBURG SYNDROME WITHOUT DYSTOPIA CANTHORUM. Identifiers: Orphanet 3440, MedGen C1860339, MONDO:0008671, OMIM 193510.
Tietz syndrome (TADS). Also called: HYPOPIGMENTATION/DEAFNESS OF TIETZ; ALBINISM-DEAFNESS OF TIETZ; TIETZ ALBINISM-DEAFNESS SYNDROME. Identifiers: Orphanet 42665, MedGen C0391816, MONDO:0007077, OMIM 103500.
Coloboma, osteopetrosis, microphthalmia, macrocephaly, albinism, and deafness (COMMAD). Also called: COMMAD syndrome. Identifiers: Orphanet 603494, MedGen C4310625, MONDO:0015014, OMIM 617306.
Hereditary cancer-predisposing syndrome. Also called: Hereditary neoplastic syndrome; Hereditary Cancer Syndrome; Tumor predisposition; Neoplastic Syndromes, Hereditary. Identifiers: Orphanet 140162, MedGen C0027672, MeSH D009386, MONDO:0015356.

Allele frequency attached by ClinVar (database versions not stated): ExAC 0.00003; gnomAD exomes 0.00004 and 0.00007; gnomAD 0.00005; TOPMed 0.00005; ESP Exome Variant Server 0.00015.
gnomAD v4.1: 62 of 1,613,968 alleles (0.0038%); highest among the groups gnomAD compares: Admixed American, 0.0067%; no homozygotes.

Submissions (6):

PreventionGenetics, part of Exact Sciences
Classification: Uncertain significance for MITF-related condition. Last evaluated: 2026-04-10. Review status: criteria provided, single submitter. Criteria: ACMG Guidelines, 2015. Collection method: clinical testing. Allele origin: germline.
Comment: The MITF c.908C>T variant is predicted to result in the amino acid substitution p.Thr303Met. To our knowledge, this variant has not been reported in the literature. This variant is reported in 0.014% of alleles in individuals of Latino descent in gnomAD. At this time, the clinical significance of this variant is uncertain due to the absence of conclusive functional and genetic evidence.

Labcorp Genetics (formerly Invitae), Labcorp
Classification: Uncertain significance for Melanoma, cutaneous malignant, susceptibility to, 8; Waardenburg syndrome type 2A; Tietz syndrome. Last evaluated: 2026-01-26. Review status: criteria provided, single submitter. Criteria: Invitae Variant Classification Sherloc (09022015). Collection method: clinical testing. Allele origin: germline.
Comment: This sequence change replaces threonine, which is neutral and polar, with methionine, which is neutral and non-polar, at codon 303 of the MITF protein (p.Thr303Met). This variant is present in population databases (rs369552358, gnomAD 0.01%). This variant has not been reported in the literature in individuals affected with MITF-related conditions. ClinVar contains an entry for this variant (Variation ID: 1204757). Invitae Evidence Modeling of protein sequence and biophysical properties (such as structural, functional, and spatial information, amino acid conservation, physicochemical variation, residue mobility, and thermodynamic stability) indicates that this missense variant is not expected to disrupt MITF protein function with a negative predictive value of 80%. In summary, the available evidence is currently insufficient to determine the role of this variant in disease. Therefore, it has been classified as a Variant of Uncertain Significance.

GeneDx
Classification: Uncertain significance. Last evaluated: 2025-02-06. Review status: criteria provided, single submitter. Criteria: GeneDx Variant Classification Process June 2021. Collection method: clinical testing. Allele origin: germline. Affected: yes.
Comment: In silico analysis indicates that this missense variant does not alter protein structure/function; Has not been previously published as pathogenic or benign to our knowledge

Ambry Genetics
Classification: Uncertain significance for Hereditary cancer-predisposing syndrome. Last evaluated: 2024-11-18. Review status: criteria provided, single submitter. Criteria: Ambry Variant Classification Scheme 2023. Collection method: clinical testing. Allele origin: germline.
Comment: The p.T303M variant (also known as c.908C>T), located in coding exon 9 of the MITF gene, results from a C to T substitution at nucleotide position 908. The threonine at codon 303 is replaced by methionine, an amino acid with similar properties. This amino acid position is conserved. In addition, this alteration is predicted to be tolerated by in silico analysis. Based on the available evidence, the clinical significance of this variant remains unclear.

Fulgent Genetics
Classification: Uncertain significance for Tietz syndrome; Waardenburg syndrome type 2A; Melanoma, cutaneous malignant, susceptibility to, 8; Coloboma, osteopetrosis, microphthalmia, macrocephaly, albinism, and deafness. Last evaluated: 2024-05-19. Review status: criteria provided, single submitter. Criteria: ACMG Guidelines, 2015. Collection method: clinical testing. Allele origin: germline.

Institute for Clinical Genetics, University Hospital TU Dresden, University Hospital TU Dresden
Classification: Uncertain significance. Last evaluated: 2021-11-03. Review status: criteria provided, single submitter. Criteria: ACMG Guidelines, 2015. Collection method: clinical testing. Allele origin: germline.